The following is an entry in ClinVar:

NM_006846.4(SPINK5):c.19T>C (p.Ser7Pro)

Gene: SPINK5 (serine peptidase inhibitor Kazal type 5; plus strand). Cytogenetic location: 5q32.
Variant type: single nucleotide variant.
Coding change: c.19T>C on transcript NM_006846.4 (MANE Select); coding-DNA position 19, T replaced by C.
Protein change: p.Ser7Pro; replaces serine 7 with proline.
Molecular consequence: missense variant.
Genome position (GRCh38, 1-based): chr5:148,064,063, T>C. VCF-style: chr5-148064063-T-C. GRCh37 (hg19) VCF-style: chr5-147443626-T-C.
Other names: c.19T>C, p.Ser7Pro (NM_001127698.2, NM_001127699.2); short protein forms S7P.
Identifiers: ClinVar variation 1010105 (VCV001010105.9), dbSNP rs1752512482, ClinGen allele CA361887334.

ClinVar aggregate classification (germline): Uncertain significance (1 of 4 stars; one submission).

Conditions:
Ichthyosis linearis circumflexa. Identifiers: MedGen C0265962, MONDO:0043106, HP:0025810.

Submission:

Labcorp Genetics (formerly Invitae), Labcorp
Classification: Uncertain significance for Ichthyosis linearis circumflexa. Last evaluated: 2022-12-02. Review status: criteria provided, single submitter. Criteria: Invitae Variant Classification Sherloc (09022015). Collection method: clinical testing. Allele origin: germline.
Comment: Algorithms developed to predict the effect of missense changes on protein structure and function output the following: SIFT: "Tolerated"; PolyPhen-2: "Benign"; Align-GVGD: "Class C0". The proline amino acid residue is found in multiple mammalian species, which suggests that this missense change does not adversely affect protein function. ClinVar contains an entry for this variant (Variation ID: 1010105). This variant has not been reported in the literature in individuals affected with SPINK5-related conditions. This variant is not present in population databases (gnomAD no frequency). This sequence change replaces serine, which is neutral and polar, with proline, which is neutral and non-polar, at codon 7 of the SPINK5 protein (p.Ser7Pro). In summary, the available evidence is currently insufficient to determine the role of this variant in disease. Therefore, it has been classified as a Variant of Uncertain Significance.